The following is an entry in ClinVar:

ClinVar aggregate classification (germline): Uncertain significance (1 of 4 stars; one submission).

Submission:

Ambry Genetics
Classification: Uncertain significance. Last evaluated: 2024-02-25. Review status: criteria provided, single submitter. Criteria: Ambry Variant Classification Scheme 2023. Collection method: clinical testing. Allele origin: germline.
Comment: The p.N2136S variant (also known as c.6407A>G), located in coding exon 12 of the ALPK2 gene, results from an A to G substitution at nucleotide position 6407. The asparagine at codon 2136 is replaced by serine, an amino acid with highly similar properties. This amino acid position is conserved. In addition, this alteration is predicted to be tolerated by in silico analysis. Based on the available evidence, the clinical significance of this alteration remains unclear.

NM_052947.4(ALPK2):c.6407A>G (p.Asn2136Ser)

Gene: ALPK2 (alpha kinase 2; minus strand). Cytogenetic location: 18q21.31.
Variant type: single nucleotide variant.
Coding change: c.6407A>G on transcript NM_052947.4 (MANE Select); coding-DNA position 6407, A replaced by G.
Protein change: p.Asn2136Ser; replaces asparagine 2136 with serine.
Molecular consequence: missense variant.
Genome position (GRCh38, 1-based): chr18:58,481,929, T>C on the plus strand (A>G on the coding strand, the complement: ALPK2 is on the minus strand). VCF-style: chr18-58481929-T-C. GRCh37 (hg19) VCF-style: chr18-56149161-T-C.
Other names: short protein forms N2136S.
Identifiers: ClinVar variation 3228861 (VCV003228861.1), dbSNP rs2518842668, ClinGen allele CA402538556.